The following is an entry in ClinVar:

ClinVar aggregate classification (germline): Benign/Likely benign. Review status: criteria provided, multiple submitters, no conflicts (2 of 4 stars). 8 submissions from 8 submitters: Benign (5); Likely benign (2). 1 of the submissions does not count toward it. Last evaluated 2026-02-03.

Conditions:
Monogenic diabetes. Identifiers: Orphanet 183625, MedGen C3888631, MONDO:0015967.
Atrioventricular septal defect 5 (AVSD5). Identifiers: MedGen C3280939, MONDO:0013769, OMIM 614474.
Neonatal insulin-dependent diabetes mellitus. Identifiers: MedGen C3278636, HP:0000857.

Allele frequency attached by ClinVar (database versions not stated): gnomAD 0.02672; TOPMed 0.03024; 1000 Genomes Project 0.03055; 1000 Genomes Project 30x 0.03420.

Submissions (8):

Labcorp Genetics (formerly Invitae), Labcorp
Classification: Benign for Atrioventricular septal defect 5. Last evaluated: 2026-02-03. Review status: criteria provided, single submitter. Criteria: Invitae Variant Classification Sherloc (09022015). Collection method: clinical testing. Allele origin: germline.

ARUP Laboratories, Molecular Genetics and Genomics, ARUP Laboratories
Classification: Benign. Last evaluated: 2024-12-19. Review status: criteria provided, single submitter. Criteria: ARUP Molecular Germline Variant Investigation Process 2024. Collection method: clinical testing. Allele origin: germline.

Women's Health and Genetics/Laboratory Corporation of America, LabCorp
Classification: Benign. Last evaluated: 2024-06-19. Review status: criteria provided, single submitter. Criteria: LabCorp Variant Classification Summary - May 2015. Collection method: clinical testing. Allele origin: germline.
Comment: Variant summary: GATA6 c.851C>G (p.Ala284Gly) results in a non-conservative amino acid change located in the GATA-type transcription activator, N-terminal domain (IPR008013) of the encoded protein sequence. Four of five in-silico tools predict a benign effect of the variant on protein function. The variant allele was found at a frequency of 0.0056 in 1228436 control chromosomes in the gnomAD database, including 321 homozygotes. The observed variant frequency is approximately 8929.73 fold of the estimated maximal expected allele frequency for a pathogenic variant in GATA6 causing Pancreatic Agenesis and Congenital Heart Defects phenotype (6.3e-07). To our knowledge, no occurrence of c.851C>G in individuals affected with Pancreatic Agenesis and Congenital Heart Defects and no experimental evidence demonstrating its impact on protein function have been reported. ClinVar contains an entry for this variant (Variation ID: 129135). Based on the evidence outlined above, the variant was classified as benign.

GeneDx
Classification: Benign. Last evaluated: 2018-09-18. Review status: criteria provided, single submitter. Criteria: GeneDx Variant Classification Process June 2021. Collection method: clinical testing. Allele origin: germline. Affected: yes.

Personalized Diabetes Medicine Program, University of Maryland School of Medicine
Classification: Likely benign for Monogenic diabetes. Last evaluated: 2015-10-27. Review status: criteria provided, single submitter. Criteria: ACMG Guidelines, 2015. Collection method: research. Allele origin: unknown. Observed: 1 variant allele, 1 heterozygote.
Comment: ACMG Criteria: BS1, BP4

Breakthrough Genomics
Classification: Likely benign. Review status: criteria provided, single submitter. Criteria: ACMG Guidelines, 2015. Collection method: not provided. Allele origin: germline. Inheritance: Autosomal dominant inheritance. Affected: yes.

Clinical Genomics, Uppaluri K&H Personalized Medicine Clinic
Classification: Benign for Neonatal insulin-dependent diabetes mellitus. Review status: criteria provided, single submitter. Criteria: K & H Uppaluri Personalized Medicine Clinic Variant Classification & Assertion Criteria_Updated V.1. Collection method: research. Allele origin: unknown.
Comment: Potent mutations in GATA6 gene are associated with neonatal diabetes, decreased insulin production due to pancreatic aplasia or hypoplasia. Also associated with isolated cardiac abnormalities in children, like atrial septal defects.However no sufficient evidence is found to ascertain the role of this particular variant rs185325359 yet.

Genetic Services Laboratory, University of Chicago
Classification: Likely benign for AllHighlyPenetrant. Review status: no assertion criteria provided. Collection method: clinical testing. Allele origin: germline. Inheritance: Autosomal dominant inheritance. Not counted in ClinVar's aggregate classification.
Comment: Likely benign based on allele frequency in 1000 Genomes Project or ESP global frequency and its presence in a patient with a rare or unrelated disease phenotype. NOT Sanger confirmed.

Literature cited by the submitters: PubMed 25706805 (cited by Clinical Genomics, Uppaluri K&H Personalized Medicine Clinic); PubMed 31271559 (cited by Clinical Genomics, Uppaluri K&H Personalized Medicine Clinic); PubMed 22158542 (cited by Clinical Genomics, Uppaluri K&H Personalized Medicine Clinic); PubMed 23223019 (cited by Clinical Genomics, Uppaluri K&H Personalized Medicine Clinic).

NM_005257.6(GATA6):c.851C>G (p.Ala284Gly)

Gene: GATA6 (GATA binding protein 6; plus strand). Cytogenetic location: 18q11.2.
Variant type: single nucleotide variant.
Coding change: c.851C>G on transcript NM_005257.6 (MANE Select); coding-DNA position 851, C replaced by G.
Protein change: p.Ala284Gly; replaces alanine 284 with glycine.
Molecular consequence: missense variant.
Genome position (GRCh38, 1-based): chr18:22,171,995, C>G. VCF-style: chr18-22171995-C-G. GRCh37 (hg19) VCF-style: chr18-19751956-C-G.
Other names: c.851C>G (NM_005257.4); short protein forms A284G.
Identifiers: ClinVar variation 129135 (VCV000129135.28), dbSNP rs185325359, ClinGen allele CA152942.